The following is an entry in ClinVar:

NM_022081.6(HPS4):c.1198C>G (p.Pro400Ala)

Gene: HPS4 (HPS4 biogenesis of lysosomal organelles complex 3 subunit 2; minus strand). Cytogenetic location: 22q12.1.
Variant type: single nucleotide variant.
Coding change: c.1198C>G on transcript NM_022081.6 (MANE Select); coding-DNA position 1198, C replaced by G.
Protein change: p.Pro400Ala; replaces proline 400 with alanine.
Molecular consequence: missense variant. On other transcripts: non-coding transcript variant (8).
Genome position (GRCh38, 1-based): chr22:26,464,432, G>C on the plus strand (C>G on the coding strand, the complement: HPS4 is on the minus strand). VCF-style: chr22-26464432-G-C. GRCh37 (hg19) VCF-style: chr22-26860398-G-C.
Other names: c.1198C>G, p.Pro400Ala (NM_001349896.1, NM_001349898.2, NM_001349899.2 and 4 more transcripts); c.1252C>G, p.Pro418Ala (NM_001349900.2, NM_001349901.1); c.1183C>G, p.Pro395Ala (NM_152841.2); short protein forms P395A, P400A, P418A.
Identifiers: ClinVar variation 1472678 (VCV001472678.5), dbSNP rs780435239, ClinGen allele CA10163380.

ClinVar aggregate classification (germline): Uncertain significance (1 of 4 stars; one submission).

Allele frequency attached by ClinVar (database versions not stated): TOPMed below 0.00001; ExAC 0.00001; gnomAD 0.00001.
gnomAD v4.1: 16 of 1,614,074 alleles (0.00099%); highest among the groups gnomAD compares: Non-Finnish European, 0.0014%; no homozygotes.

Submission:

Labcorp Genetics (formerly Invitae), Labcorp
Classification: Uncertain significance. Last evaluated: 2021-09-01. Review status: criteria provided, single submitter. Criteria: Invitae Variant Classification Sherloc (09022015). Collection method: clinical testing. Allele origin: germline.
Comment: This sequence change replaces proline with alanine at codon 400 of the HPS4 protein (p.Pro400Ala). The proline residue is weakly conserved and there is a small physicochemical difference between proline and alanine. This variant is present in population databases (rs780435239, ExAC 0.001%). This variant has not been reported in the literature in individuals affected with HPS4-related conditions. Algorithms developed to predict the effect of missense changes on protein structure and function (SIFT, PolyPhen-2, Align-GVGD) all suggest that this variant is likely to be tolerated. In summary, the available evidence is currently insufficient to determine the role of this variant in disease. Therefore, it has been classified as a Variant of Uncertain Significance.